The following is an entry in ClinVar:

NM_020987.5(ANK3):c.12813A>C (p.Gln4271His)

Gene: ANK3 (ankyrin 3; minus strand). Cytogenetic location: 10q21.2.
Variant type: single nucleotide variant.
Coding change: c.12813A>C on transcript NM_020987.5 (MANE Select); coding-DNA position 12813, A replaced by C.
Protein change: p.Gln4271His; replaces glutamine 4271 with histidine.
Molecular consequence: missense variant.
Genome position (GRCh38, 1-based): chr10:60,055,910, T>G on the plus strand (A>C on the coding strand, the complement: ANK3 is on the minus strand). VCF-style: chr10-60055910-T-G. GRCh37 (hg19) VCF-style: chr10-61815668-T-G.
Other names: c.2685A>C, p.Gln895His (NM_001149.4); c.5265A>C, p.Gln1755His (NM_001204403.2); c.5286A>C, p.Gln1762His (NM_001204404.2); c.5283A>C, p.Gln1761His (NM_001320874.2); short protein forms Q1761H, Q1762H, Q1755H, Q4271H, Q895H.
Identifiers: ClinVar variation 2730596 (VCV002730596.3), dbSNP rs2492398938, ClinGen allele CA376990501.
Genomic context (GRCh38, chr10:60,055,910, plus strand): 5'-ACCAGATCCATGTATTTTTGGTTTCAGAGTTTCCTTGGTACTCTGTTTTCCTACATCATT[T>G]TGGGATTCTGGAAAGTAAGATTTTGTCTTTGCTTCTGGAGTGATTTCTGTATGGCTTCCA-3'
Protein context (NP_066267.2, residues 4261-4281): AKTKSYFPES[Gln4271His]NDVGKQSTKE

ClinVar aggregate classification (germline): Uncertain significance (1 of 4 stars; one submission).

Submission:

Labcorp Genetics (formerly Invitae), Labcorp
Classification: Uncertain significance. Last evaluated: 2023-06-27. Review status: criteria provided, single submitter. Criteria: Invitae Variant Classification Sherloc (09022015). Collection method: clinical testing. Allele origin: germline.
Comment: Advanced modeling of protein sequence and biophysical properties (such as structural, functional, and spatial information, amino acid conservation, physicochemical variation, residue mobility, and thermodynamic stability) performed at Invitae indicates that this missense variant is not expected to disrupt ANK3 protein function. In summary, the available evidence is currently insufficient to determine the role of this variant in disease. Therefore, it has been classified as a Variant of Uncertain Significance. This variant has not been reported in the literature in individuals affected with ANK3-related conditions. This sequence change replaces glutamine, which is neutral and polar, with histidine, which is basic and polar, at codon 4271 of the ANK3 protein (p.Gln4271His). This variant is not present in population databases (gnomAD no frequency).